The following is an entry in ClinVar:

ClinVar aggregate classification (germline): Pathogenic (1 of 4 stars; one submission).

Submission:

GeneDx
Classification: Pathogenic. Last evaluated: 2022-04-28. Review status: criteria provided, single submitter. Criteria: GeneDx Variant Classification Process June 2021. Collection method: clinical testing. Allele origin: germline. Affected: yes.
Comment: Canonical splice site variant predicted to result in a null allele in a gene for which loss of function is a known mechanism of disease; Not observed at significant frequency in large population cohorts (gnomAD); This variant is associated with the following publications: (PMID: 30652005)

NM_000330.4(RS1):c.78+2T>C

Gene: RS1 (retinoschisin 1; minus strand). Cytogenetic location: Xp22.13.
Variant type: single nucleotide variant.
Coding change: c.78+2T>C on transcript NM_000330.4 (MANE Select); the canonical splice donor site of the intron after coding-DNA position 78, T replaced by C.
Molecular consequence: splice donor variant.
Genome position (GRCh38, 1-based): chrX:18,657,638, A>G on the plus strand (T>C on the coding strand, the complement: RS1 is on the minus strand). VCF-style: chrX-18657638-A-G. GRCh37 (hg19) VCF-style: chrX-18675758-A-G.
Identifiers: ClinVar variation 1723073 (VCV001723073.2), dbSNP rs2518938556, ClinGen allele CA412376771.
Genomic context (GRCh38, chrX:18,657,638, plus strand): 5'-TGGCTAGGAAAATTTTCAAAAGTACTATGCATGTACATTACAGCCTTCTTACTGTTACAT[A>G]CCTCGGTAGACGATAATCCCAATGTGGCTAAAGCAAAAGGATGAGACAGAAAAAATCTAA-3'